The following is an entry in ClinVar:

NM_001171613.2(PREPL):c.1086+4G>A

Gene: PREPL (prolyl endopeptidase like; minus strand). Cytogenetic location: 2p21.
Variant type: single nucleotide variant.
Coding change: c.1086+4G>A on transcript NM_001171613.2 (MANE Select); 4 bases into the intron after coding-DNA position 1086, G replaced by A.
Molecular consequence: intron variant.
Genome position (GRCh38, 1-based): chr2:44,332,455, C>T on the plus strand (G>A on the coding strand, the complement: PREPL is on the minus strand). VCF-style: chr2-44332455-C-T. GRCh37 (hg19) VCF-style: chr2-44559594-C-T.
Other names: c.1086+4G>A (NM_001171617.1, NM_001374277.1); c.1353+4G>A (NM_001171603.1, NM_001374275.1, NM_001374276.1 and 2 more transcripts); c.1167+4G>A (NM_001042385.2); c.1156-3343G>A (NM_001042386.2).
Identifiers: ClinVar variation 1365758 (VCV001365758.6), dbSNP rs781546038, ClinGen allele CA1641257.

ClinVar aggregate classification (germline): Uncertain significance (1 of 4 stars; one submission).

Conditions:
Myasthenic syndrome, congenital, 22 (CMS22). Also called: PREPL DEFICIENCY. Identifiers: MedGen C4479088, MONDO:0044299, OMIM 616224.

Allele frequency attached by ClinVar (database versions not stated): gnomAD exomes below 0.00001; ExAC 0.00001; gnomAD 0.00001.
gnomAD v4.1: 19 of 1,608,600 alleles (0.0012%); highest among the groups gnomAD compares: Non-Finnish European, 0.0016%; no homozygotes.

Submission:

Labcorp Genetics (formerly Invitae), Labcorp
Classification: Uncertain significance for Myasthenic syndrome, congenital, 22. Last evaluated: 2021-03-02. Review status: criteria provided, single submitter. Criteria: Invitae Variant Classification Sherloc (09022015). Collection method: clinical testing. Allele origin: germline.
Comment: In summary, the available evidence is currently insufficient to determine the role of this variant in disease. Therefore, it has been classified as a Variant of Uncertain Significance. Nucleotide substitutions within the consensus splice site are a relatively common cause of aberrant splicing (PMID: 17576681, 9536098). Algorithms developed to predict the effect of sequence changes on RNA splicing suggest that this variant is not likely to affect RNA splicing, but this prediction has not been confirmed by published transcriptional studies. This variant has not been reported in the literature in individuals with PREPL-related conditions. This variant is present in population databases (rs781546038, ExAC 0.002%). This sequence change falls in intron 8 of the PREPL gene. It does not directly change the encoded amino acid sequence of the PREPL protein. It affects a nucleotide within the consensus splice site of the intron.

Literature cited by the submitters: PubMed 17576681; PubMed 9536098.